The following is an entry in ClinVar:

NM_000169.3(GLA):c.901C>T (p.Arg301Ter)

Genes: GLA (galactosidase alpha; minus strand), RPL36A-HNRNPH2 (RPL36A-HNRNPH2 readthrough; plus strand). Cytogenetic location: Xq22.1.
Variant type: single nucleotide variant.
Coding change: c.901C>T on transcript NM_000169.3 (MANE Select); coding-DNA position 901, C replaced by T.
Protein change: p.Arg301Ter; replaces arginine 301 with a stop codon.
Molecular consequence: nonsense. On other transcripts: non-coding transcript variant (3), intron variant (2).
Genome position (GRCh38, 1-based): chrX:101,398,468, G>A on the plus strand (C>T on the coding strand, the complement: GLA is on the minus strand). VCF-style: chrX-101398468-G-A. GRCh37 (hg19) VCF-style: chrX-100653456-G-A.
Other names: NP_000160.1:p.Arg301*; p.R301*:CGA>TGA; c.1024C>T, p.Arg342Ter (NM_001406747.1); c.901C>T, p.Arg301Ter (NM_001406748.1); c.300+3011G>A (NM_001199973.2); c.177+6646G>A (NM_001199974.2); short protein forms R301*, R342*.
Identifiers: ClinVar variation 92570 (VCV000092570.28), dbSNP rs398123224, ClinGen allele CA022184.

ClinVar aggregate classification (germline): Pathogenic. Review status: criteria provided, multiple submitters, no conflicts (2 of 4 stars). 11 submissions from 11 submitters: Pathogenic (10). 1 of the submissions does not count toward it. Last evaluated 2026-09-08.

Conditions:
Fabry disease. Also called: Fabry's disease; Angiokeratoma corporis diffusum; ALPHA-GALACTOSIDASE A DEFICIENCY; ANDERSON-FABRY DISEASE; CERAMIDE TRIHEXOSIDASE DEFICIENCY; Ceramide trihexosidosis. Identifiers: Orphanet 324, MedGen C0002986, MONDO:0010526, OMIM 301500, HP:0001071. Disease mechanism: loss of function, Fabry disease is due to inactivating mutations in the X-linked GLA gene resulting in deficiency of the enzyme Alpha Galactosidase-A..

Submissions (11):

Genomenon, Inc
Classification: Pathogenic for Fabry disease. Last evaluated: 2026-09-08. Review status: criteria provided, single submitter. Criteria: Genomenon Sequence Variant Interpretation Standards - Updated. Collection method: curation. Allele origin: germline. Affected: yes.
Comment: GLA p.Arg301Ter (c.901C>T) is a nonsense variant that introduces a premature stop codon at amino acid position 301 and is predicted to result in a truncated or absent protein product. This variant has been observed in at least one proband with clinical features consistent with Fabry disease (PMID:18651238;27156739;26602202;23546814;37470867;17619837;36140787;31292888). The variant was found to segregate with disease in at least one affected family (PMID:27156739;23546814;37470867;17619837;36140787). A de novo occurrence of this variant has been observed in at least one affected individual (PMID:26602202). Functional or patient cell studies have been reported (PMID:18651238;27156739;26602202;37470867;36140787;31292888). It is absent or not present at a significant frequency in gnomAD. In conclusion, we classify GLA p.Arg301Ter (c.901C>T) as a pathogenic variant.

Genetics Laboratory, Great Ormond Street Hospital NHS Foundation Trust, North Thames Genomic Laboratory Hub
Classification: Pathogenic for Fabry disease. Last evaluated: 2026-07-18. Review status: criteria provided, single submitter. Criteria: ACGS Best Practice Guidelines for Variant Classification in Rare Disease 2024 v1.2. Collection method: clinical testing. Allele origin: germline. Affected: yes.
Comment: PS4_moderate, PM2_moderate, PVS1_very-strong, PP4_strong

Labcorp Genetics (formerly Invitae), Labcorp
Classification: Pathogenic for Fabry disease. Last evaluated: 2025-03-10. Review status: criteria provided, single submitter. Criteria: Invitae Variant Classification Sherloc (09022015). Collection method: clinical testing. Allele origin: germline.
Comment: This sequence change creates a premature translational stop signal (p.Arg301*) in the GLA gene. It is expected to result in an absent or disrupted protein product. Loss-of-function variants in GLA are known to be pathogenic (PMID: 10666480, 12175777). This variant is not present in population databases (gnomAD no frequency). This premature translational stop signal has been observed in individuals with Fabry disease (PMID: 7531540, 28728877). ClinVar contains an entry for this variant (Variation ID: 92570). For these reasons, this variant has been classified as Pathogenic.

Laboratory of Genetics, Children's Clinical University Hospital Latvia
Classification: Pathogenic. Last evaluated: 2025-02-16. Review status: criteria provided, single submitter. Criteria: ACMG Guidelines, 2015. Collection method: clinical testing. Allele origin: germline. Affected: yes.

3billion
Classification: Pathogenic for Fabry disease. Last evaluated: 2024-03-04. Review status: criteria provided, single submitter. Criteria: ACMG Guidelines, 2015. Collection method: clinical testing. Allele origin: germline. Affected: yes.
Comment: The variant is not observed in the gnomAD v2.1.1 dataset. Predicted Consequence/Location: Stop-gained (nonsense): predicted to result in a loss or disruption of normal protein function through nonsense-mediated decay (NMD) or protein truncation. Multiple pathogenic variants are reported downstream of the variant. Functional studies provide strong evidence of the variant having a damaging effect on the gene or gene product (PMID: 18698230). The variant has been reported at least twice as pathogenic with clinical assertions and evidence for the classification (ClinVar ID: VCV000092570 /PMID: 7531540). Therefore, this variant is classified as Pathogenic according to the recommendation of ACMG/AMP guideline.

Revvity Omics, Revvity
Classification: Pathogenic. Last evaluated: 2022-12-14. Review status: criteria provided, single submitter. Criteria: ACMG Guidelines, 2015. Collection method: clinical testing. Allele origin: germline.

Genome-Nilou Lab
Classification: Pathogenic for Fabry disease. Last evaluated: 2021-07-15. Review status: criteria provided, single submitter. Criteria: ACMG Guidelines, 2015. Collection method: clinical testing. Allele origin: germline. Affected: no.

GeneDx
Classification: Pathogenic. Last evaluated: 2021-06-10. Review status: criteria provided, single submitter. Criteria: GeneDx Variant Classification Process June 2021. Collection method: clinical testing. Allele origin: germline. Affected: yes.
Comment: Not observed at significant frequency in large population cohorts (Lek et al., 2016); Nonsense variant predicted to result in protein truncation or nonsense-mediated decay in a gene for which loss-of-function is a known mechanism of disease; This variant is associated with the following publications: (PMID: 15713906, 15776423, 27560961, 28679849, 27535533, 25525159, 15806320, 11668641, 12428061, 8996967, 27899143, 27156739, 26602202, 18651238, 23935525, 28090261, 28728877, 27773586, 31996269, 7531540)

Women's Health and Genetics/Laboratory Corporation of America, LabCorp
Classification: Pathogenic for Fabry disease. Last evaluated: 2019-07-03. Review status: criteria provided, single submitter. Criteria: LabCorp Variant Classification Summary - May 2015. Collection method: clinical testing. Allele origin: germline.
Comment: Variant summary: GLA c.901C>T (p.Arg301X) results in a premature termination codon, predicted to cause a truncation of the encoded protein or absence of the protein due to nonsense mediated decay, which are commonly known mechanisms for disease. Truncations downstream of this position have been classified as pathogenic by our laboratory. The variant was absent in 183457 control chromosomes (gnomAD). c.901C>T has been reported in the literature in multiple individuals affected with Fabry Disease (Bowman_2013, Lukas_2013, Schafer_2005, Ries_2005, Blaydon_2001, Nakano_2013, Shin_2008). These data indicate that the variant is very likely to be associated with disease. At least one publication reports experimental evidence evaluating an impact on protein function. The most pronounced variant effect results in <10% of normal activity (Shin_2008, Ries_2005). Two ClinVar submissions (evaluation after 2014) cite the variant as pathogenic. Based on the evidence outlined above, the variant was classified as pathogenic.

Eurofins Ntd Llc (ga)
Classification: Pathogenic. Last evaluated: 2015-03-05. Review status: criteria provided, single submitter. Criteria: EGL Classification Definitions 2015. Collection method: clinical testing. Allele origin: germline. Observed: 13 variant alleles, 10 heterozygotes, 3 hemizygotes.

Zotz-Klimas Genetics Lab, MVZ Zotz Klimas
Classification: Pathogenic for Fabry disease. Last evaluated: 2023-11-02. Review status: no assertion criteria provided. Collection method: clinical testing. Allele origin: germline. Affected: yes. Not counted in ClinVar's aggregate classification.

Literature cited by the submitters: PubMed 18651238 (cited by Genomenon, Inc); PubMed 27156739 (cited by Genomenon, Inc); PubMed 26602202 (cited by Genomenon, Inc); PubMed 23546814 (cited by Genomenon, Inc); PubMed 37470867 (cited by Genomenon, Inc); PubMed 17619837 (cited by Genomenon, Inc); PubMed 36140787 (cited by Genomenon, Inc); PubMed 31292888 (cited by Genomenon, Inc); PubMed 10666480 (cited by Labcorp Genetics (formerly Invitae), Labcorp); PubMed 12175777 (cited by Labcorp Genetics (formerly Invitae), Labcorp); PubMed 7531540 (cited by 3 submitters); PubMed 28728877 (cited by Labcorp Genetics (formerly Invitae), Labcorp); PubMed 18698230 (cited by 3billion and Women's Health and Genetics/Laboratory Corporation of America, LabCorp); PubMed 15776423 (cited by Women's Health and Genetics/Laboratory Corporation of America, LabCorp); PubMed 15713906 (cited by Women's Health and Genetics/Laboratory Corporation of America, LabCorp); PubMed 23935525 (cited by Women's Health and Genetics/Laboratory Corporation of America, LabCorp); PubMed 24236025 (cited by Women's Health and Genetics/Laboratory Corporation of America, LabCorp); PubMed 11668641 (cited by Women's Health and Genetics/Laboratory Corporation of America, LabCorp); PubMed 23566439 (cited by Women's Health and Genetics/Laboratory Corporation of America, LabCorp).